The following is an entry in ClinVar:

ClinVar aggregate classification (germline): Uncertain significance (1 of 4 stars; one submission).

Conditions:
Dilated cardiomyopathy 1DD (CMD1DD). Identifiers: Orphanet 154, MedGen C2750995, MONDO:0013168, OMIM 613172.

Submission:

Labcorp Genetics (formerly Invitae), Labcorp
Classification: Uncertain significance for Dilated cardiomyopathy 1DD. Last evaluated: 2024-01-04. Review status: criteria provided, single submitter. Criteria: Invitae Variant Classification Sherloc (09022015). Collection method: clinical testing. Allele origin: germline.
Comment: This variant, c.2720_2725del, results in the deletion of 2 amino acid(s) of the RBM20 protein (p.Glu907_Leu908del), but otherwise preserves the integrity of the reading frame. This variant is not present in population databases (gnomAD no frequency). This variant has been observed in individual(s) with dilated cardiomyopathy (Invitae). ClinVar contains an entry for this variant (Variation ID: 1383180). In summary, the available evidence is currently insufficient to determine the role of this variant in disease. Therefore, it has been classified as a Variant of Uncertain Significance.

NM_001134363.3(RBM20):c.2720_2725del (p.Glu907_Leu908del)

Gene: RBM20 (RNA binding motif protein 20; plus strand). Cytogenetic location: 10q25.2.
Variant type: Deletion.
Coding change: c.2720_2725del on transcript NM_001134363.3 (MANE Select); coding-DNA positions 2720 to 2725, 6 bases deleted (AGCTGG; older notation c.2720_2725delAGCTGG).
Protein change: p.Glu907_Leu908del.
Molecular consequence: inframe deletion.
Genome position (GRCh38, 1-based): chr10:110,821,339-110,821,344, AGCTGG deleted; deleting any 6 consecutive bases within chr10:110,821,337-110,821,344 gives the same sequence; the c. name uses the placement nearest the transcript's 3' end. VCF-style (leftmost placement, unchanged base first): chr10-110821336-AGGAGCT-A. GRCh37 (hg19) VCF-style: chr10-112581094-AGGAGCT-A.
Identifiers: ClinVar variation 1383180 (VCV001383180.6), dbSNP rs2135120852, ClinGen allele CA2573145568.